The following is an entry in ClinVar:

ClinVar aggregate classification (germline): Uncertain significance. Review status: criteria provided, multiple submitters, no conflicts (2 of 4 stars). 2 submissions from 2 submitters: Uncertain significance (2). Last evaluated 2025-10-08.

Allele frequency attached by ClinVar (database versions not stated): gnomAD exomes below 0.00001; TOPMed 0.00001; gnomAD 0.00002.
gnomAD v4.1: 5 of 1,582,698 alleles (0.00032%); highest among the groups gnomAD compares: South Asian, 0.0023%; no homozygotes.

Submissions (2):

Labcorp Genetics (formerly Invitae), Labcorp
Classification: Uncertain significance. Last evaluated: 2025-10-08. Review status: criteria provided, single submitter. Criteria: Invitae Variant Classification Sherloc (09022015). Collection method: clinical testing. Allele origin: germline.
Comment: This sequence change replaces leucine, which is neutral and non-polar, with valine, which is neutral and non-polar, at codon 209 of the TERF2IP protein (p.Leu209Val). This variant is present in population databases (no rsID available, gnomAD 0.004%). This variant has not been reported in the literature in individuals affected with TERF2IP-related conditions. ClinVar contains an entry for this variant (Variation ID: 1752482). An algorithm developed to predict the effect of missense changes on protein structure and function (PolyPhen-2) suggests that this variant is likely to be tolerated. In summary, the available evidence is currently insufficient to determine the role of this variant in disease. Therefore, it has been classified as a Variant of Uncertain Significance.

Ambry Genetics
Classification: Uncertain significance. Last evaluated: 2024-06-16. Review status: criteria provided, single submitter. Criteria: Ambry Variant Classification Scheme 2023. Collection method: clinical testing. Allele origin: germline.
Comment: The p.L209V variant (also known as c.625C>G), located in coding exon 1 of the TERF2IP gene, results from a C to G substitution at nucleotide position 625. The leucine at codon 209 is replaced by valine, an amino acid with highly similar properties. This amino acid position is conserved. In addition, this alteration is predicted to be tolerated by in silico analysis. Since supporting evidence is limited at this time, the clinical significance of this alteration remains unclear.

NM_018975.4(TERF2IP):c.625C>G (p.Leu209Val)

Gene: TERF2IP (TERF2 interacting protein; plus strand). Cytogenetic location: 16q23.1.
Variant type: single nucleotide variant.
Coding change: c.625C>G on transcript NM_018975.4 (MANE Select); coding-DNA position 625, C replaced by G.
Protein change: p.Leu209Val; replaces leucine 209 with valine.
Molecular consequence: missense variant. On other transcripts: non-coding transcript variant (1).
Genome position (GRCh38, 1-based): chr16:75,648,507, C>G. VCF-style: chr16-75648507-C-G. GRCh37 (hg19) VCF-style: chr16-75682405-C-G.
Other names: short protein forms L209V.
Identifiers: ClinVar variation 1752482 (VCV001752482.4), dbSNP rs1384456217, ClinGen allele CA396818310.